The following is an entry in ClinVar:

ClinVar aggregate classification (germline): Uncertain significance (1 of 4 stars; one submission).

Allele frequency attached by ClinVar (database versions not stated): gnomAD exomes below 0.00001.
gnomAD v4.1: 1 of 1,613,850 alleles (0.000062%); highest among the groups gnomAD compares: Non-Finnish European, 0.000085%; no homozygotes.

Submission:

GeneDx
Classification: Uncertain significance. Last evaluated: 2020-03-26. Review status: criteria provided, single submitter. Criteria: GeneDx Variant Classification Process June 2021. Collection method: clinical testing. Allele origin: germline. Affected: yes.
Comment: Not observed in large population cohorts (Lek et al., 2016); In silico analysis supports that this missense variant has a deleterious effect on protein structure/function; Has not been previously published as pathogenic or benign to our knowledge

NM_001377229.1(DISP1):c.1613C>A (p.Ser538Tyr)

Gene: DISP1 (dispatched RND transporter family member 1; plus strand). Cytogenetic location: 1q41.
Variant type: single nucleotide variant.
Coding change: c.1613C>A on transcript NM_001377229.1 (MANE Select); coding-DNA position 1613, C replaced by A.
Protein change: p.Ser538Tyr; replaces serine 538 with tyrosine.
Molecular consequence: missense variant.
Genome position (GRCh38, 1-based): chr1:223,003,010, C>A. VCF-style: chr1-223003010-C-A. GRCh37 (hg19) VCF-style: chr1-223176352-C-A.
Other names: c.884C>A, p.Ser295Tyr (NM_001350630.2); c.1613C>A, p.Ser538Tyr (NM_001369594.1, NM_001377228.1, NM_032890.5); short protein forms S295Y, S538Y.
Identifiers: ClinVar variation 1194576 (VCV001194576.2), dbSNP rs2102797598, ClinGen allele CA344679612.